The following is an entry in ClinVar:

ClinVar aggregate classification (germline): Conflicting classifications of pathogenicity. Review status: criteria provided, conflicting classifications (1 of 4 stars). 4 submissions from 4 submitters: Uncertain significance (1); Likely benign (3). Last evaluated 2025-09-13.

Conditions:
ZNF335-related disorder. Also called: ZNF335-related condition.

Allele frequency attached by ClinVar (database versions not stated): gnomAD 0.00016 and 0.00013; 1000 Genomes Project 0.00060; 1000 Genomes Project 30x 0.00078; TOPMed 0.00015.
gnomAD v4.1: 172 of 1,612,596 alleles (0.011%); highest among the groups gnomAD compares: East Asian, 0.15%; 4 homozygotes.

Submissions (4):

Labcorp Genetics (formerly Invitae), Labcorp
Classification: Likely benign. Last evaluated: 2025-09-13. Review status: criteria provided, single submitter. Criteria: Invitae Variant Classification Sherloc (09022015). Collection method: clinical testing. Allele origin: germline.

PreventionGenetics, part of Exact Sciences
Classification: Likely benign for ZNF335-related condition. Last evaluated: 2025-03-24. Review status: criteria provided, single submitter. Criteria: ACMG Guidelines, 2015. Collection method: clinical testing. Allele origin: germline.
Comment: This variant is classified as likely benign based on ACMG/AMP sequence variant interpretation guidelines (Richards et al. 2015 PMID: 25741868, with internal and published modifications).

Blueprint Genetics
Classification: Likely benign. Last evaluated: 2024-11-27. Review status: criteria provided, single submitter. Criteria: ACMG Guidelines, 2015. Collection method: clinical testing. Allele origin: germline.

Genetic Services Laboratory, University of Chicago
Classification: Uncertain significance. Last evaluated: 2014-06-27. Review status: criteria provided, single submitter. Criteria: ACMG Guidelines, 2015. Collection method: clinical testing. Allele origin: germline.

NM_022095.4(ZNF335):c.648G>A (p.Pro216=)

Gene: ZNF335 (zinc finger protein 335; minus strand). Cytogenetic location: 20q13.12.
Variant type: single nucleotide variant.
Coding change: c.648G>A on transcript NM_022095.4 (MANE Select); coding-DNA position 648, G replaced by A.
Protein change: p.Pro216=; no amino-acid change (proline 216 retained).
Molecular consequence: synonymous variant.
Genome position (GRCh38, 1-based): chr20:45,967,900, C>T on the plus strand (G>A on the coding strand, the complement: ZNF335 is on the minus strand). VCF-style: chr20-45967900-C-T. GRCh37 (hg19) VCF-style: chr20-44596539-C-T.
Identifiers: ClinVar variation 212654 (VCV000212654.17), dbSNP rs201180565, ClinGen allele CA205048.